The following is an entry in ClinVar:

NM_003105.6(SORL1):c.1148C>T (p.Ser383Phe)

Gene: SORL1 (sortilin related receptor 1; plus strand). Cytogenetic location: 11q24.1.
Variant type: single nucleotide variant.
Coding change: c.1148C>T on transcript NM_003105.6 (MANE Select); coding-DNA position 1148, C replaced by T.
Protein change: p.Ser383Phe; replaces serine 383 with phenylalanine.
Molecular consequence: missense variant.
Genome position (GRCh38, 1-based): chr11:121,514,258, C>T. VCF-style: chr11-121514258-C-T. GRCh37 (hg19) VCF-style: chr11-121384967-C-T.
Other names: short protein forms S383F.
Identifiers: ClinVar variation 1473556 (VCV001473556.6), dbSNP rs753082593, ClinGen allele CA6328558.

ClinVar aggregate classification (germline): Uncertain significance (1 of 4 stars; one submission).

Allele frequency attached by ClinVar (database versions not stated): gnomAD exomes below 0.00001; ExAC 0.00001.
gnomAD v4.1: 1 of 1,614,224 alleles (0.000062%); highest among the groups gnomAD compares: South Asian, 0.0011%; no homozygotes.

Submission:

Labcorp Genetics (formerly Invitae), Labcorp
Classification: Uncertain significance. Last evaluated: 2021-08-27. Review status: criteria provided, single submitter. Criteria: Invitae Variant Classification Sherloc (09022015). Collection method: clinical testing. Allele origin: germline.
Comment: This variant has not been reported in the literature in individuals affected with SORL1-related conditions. In summary, the available evidence is currently insufficient to determine the role of this variant in disease. Therefore, it has been classified as a Variant of Uncertain Significance. Algorithms developed to predict the effect of missense changes on protein structure and function are either unavailable or do not agree on the potential impact of this missense change (SIFT: "Deleterious"; PolyPhen-2: "Probably Damaging"; Align-GVGD: "Class C15"). This variant is present in population databases (rs753082593, ExAC 0.006%). This sequence change replaces serine with phenylalanine at codon 383 of the SORL1 protein (p.Ser383Phe). The serine residue is highly conserved and there is a large physicochemical difference between serine and phenylalanine.